The following is an entry in ClinVar:

ClinVar aggregate classification (germline): Uncertain significance (0 of 4 stars; one submission).

Conditions:
TPO-related disorder. Also called: TPO-related condition.

Submission:

PreventionGenetics, part of Exact Sciences
Classification: Uncertain significance for TPO-related condition. Last evaluated: 2024-04-29. Review status: no assertion criteria provided. Collection method: clinical testing. Allele origin: germline.
Comment: The TPO c.2500G>C variant is predicted to result in the amino acid substitution p.Asp834His. To our knowledge, this variant has not been reported in the literature or in a large population database, indicating this variant is rare. At this time, the clinical significance of this variant is uncertain due to the absence of conclusive functional and genetic evidence.

NM_001206744.2(TPO):c.2500G>C (p.Asp834His)

Genes: LALTOP (lung cancer associated lncRNA targeting TOP2A; minus strand), TPO (thyroid peroxidase; plus strand). Cytogenetic location: 2p25.3.
Variant type: single nucleotide variant.
Coding change: c.2500G>C on transcript NM_001206744.2 (MANE Select); coding-DNA position 2500, G replaced by C.
Protein change: p.Asp834His; replaces aspartic acid 834 with histidine.
Molecular consequence: missense variant. On other transcripts: intron variant (1).
Genome position (GRCh38, 1-based): chr2:1,504,061, G>C. VCF-style: chr2-1504061-G-C. GRCh37 (hg19) VCF-style: chr2-1507833-G-C.
Other names: c.2500G>C, p.Asp834His (NM_000547.6); c.2329G>C, p.Asp777His (NM_001206745.2, NM_175719.4); c.1981G>C, p.Asp661His (NM_175722.3); c.2386+7296G>C (NM_175721.3); short protein forms D661H, D777H, D834H.
Identifiers: ClinVar variation 3346705 (VCV003346705.1).